The following is an entry in ClinVar:

NM_152296.5(ATP1A3):c.1088T>C (p.Ile363Thr)

Gene: ATP1A3 (ATPase Na+/K+ transporting subunit alpha 3; minus strand). Cytogenetic location: 19q13.2.
Variant type: single nucleotide variant.
Coding change: c.1088T>C on transcript NM_152296.5 (MANE Select); coding-DNA position 1088, T replaced by C.
Protein change: p.Ile363Thr; replaces isoleucine 363 with threonine.
Molecular consequence: missense variant.
Genome position (GRCh38, 1-based): chr19:41,982,012, A>G on the plus strand (T>C on the coding strand, the complement: ATP1A3 is on the minus strand). VCF-style: chr19-41982012-A-G. GRCh37 (hg19) VCF-style: chr19-42486164-A-G.
Other names: c.1121T>C, p.Ile374Thr (NM_001256213.2); c.1127T>C, p.Ile376Thr (NM_001256214.2); short protein forms I363T, I374T, I376T.
Identifiers: ClinVar variation 1264343 (VCV001264343.9), dbSNP rs2145972483, ClinGen allele CA406051192.
Genomic context (GRCh38, chr19:41,982,012, plus strand): 5'-AACCACATGTGGGCGACTGTCATGCGGTTCTGAGTGAGGGTCCCTGTCTTATCTGAGCAG[A>G]TGGTGGACGTGGAGCCCAGGGTTTCTACAGCCTCCAGGTTCTTCACCAGGCAGTTCTTCC-3'
Protein context (NP_689509.1, residues 353-373): AVETLGSTST[Ile363Thr]CSDKTGTLTQ

ClinVar aggregate classification (germline): Pathogenic. Review status: criteria provided, single submitter (1 of 4 stars). 2 submissions from 2 submitters: Pathogenic (1). 1 of the submissions does not count toward it. Last evaluated 2025-04-14.

Conditions:
Alternating hemiplegia of childhood 2 (AHC2). Also called: Alternating Hemiplegia of Childhood (AHC). Identifiers: Orphanet 2131, MedGen C3553788, MONDO:0013900, OMIM 614820.
Dystonia 12 (DYT12). Also called: Rapid-Onset Dystonia-Parkinsonism (RDP); DYT-ATP1A3. Identifiers: Orphanet 71517, MedGen C1868681, MONDO:0007496, OMIM 128235.

Submissions (2):

Labcorp Genetics (formerly Invitae), Labcorp
Classification: Pathogenic for Dystonia 12. Last evaluated: 2025-04-14. Review status: criteria provided, single submitter. Criteria: Invitae Variant Classification Sherloc (09022015). Collection method: clinical testing. Allele origin: germline.
Comment: This sequence change replaces isoleucine, which is neutral and non-polar, with threonine, which is neutral and polar, at codon 363 of the ATP1A3 protein (p.Ile363Thr). This variant is not present in population databases (gnomAD no frequency). This missense change has been observed in individual(s) with alternating hemiplegia of childhood (PMID: 31942761). In at least one individual the variant was observed to be de novo. ClinVar contains an entry for this variant (Variation ID: 1264343). Invitae Evidence Modeling of protein sequence and biophysical properties (such as structural, functional, and spatial information, amino acid conservation, physicochemical variation, residue mobility, and thermodynamic stability) indicates that this missense variant is expected to disrupt ATP1A3 protein function with a positive predictive value of 95%. This variant disrupts the p.Ile363 amino acid residue in ATP1A3. Other variant(s) that disrupt this residue have been determined to be pathogenic (PMID: 25656163). This suggests that this residue is clinically significant, and that variants that disrupt this residue are likely to be disease-causing. For these reasons, this variant has been classified as Pathogenic.

Cytogénomique, Hospices Civils de Lyon
Classification: Likely pathogenic for Alternating hemiplegia of childhood 2. Review status: no assertion criteria provided. Collection method: clinical testing. Allele origin: unknown. Inheritance: Autosomal dominant inheritance. Affected: yes. Not counted in ClinVar's aggregate classification.

Literature cited by the submitters: PubMed 31942761 (cited by Labcorp Genetics (formerly Invitae), Labcorp); PubMed 25656163 (cited by Labcorp Genetics (formerly Invitae), Labcorp).